The following is an entry in ClinVar:

NM_000203.5(IDUA):c.1127del (p.Pro376fs)

Gene: IDUA (alpha-L-iduronidase; plus strand). Cytogenetic location: 4p16.3.
Variant type: Deletion.
Coding change: c.1127del on transcript NM_000203.5 (MANE Select); coding-DNA position 1127, one base deleted (C; older notation c.1127delC).
Protein change: p.Pro376fs; shifts the reading frame from proline 376.
Molecular consequence: frameshift variant. On other transcripts: non-coding transcript variant (1).
Genome position (GRCh38, 1-based): chr4:1,002,423, C deleted; the last of 3 consecutive C bases (chr4:1,002,421-1,002,423); deleting any one gives the same sequence. VCF-style (leftmost placement, unchanged base first): chr4-1002420-GC-G. GRCh37 (hg19) VCF-style: chr4-996208-GC-G.
Other names: c.731del, p.Pro244fs (NM_001363576.1); short protein forms P244fs, P376fs.
Identifiers: ClinVar variation 5015773 (VCV005015773.1).

ClinVar aggregate classification (germline): Pathogenic (1 of 4 stars; one submission).

Conditions:
Mucopolysaccharidosis type 1. Also called: IDUA deficiency; MPS I; Mucopolysaccharidosis Type I. Identifiers: Orphanet 579, MedGen C0023786, MONDO:0001586.

Submission:

Myriad Genetics, Inc.
Classification: Pathogenic for Mucopolysaccharidosis type 1. Last evaluated: 2026-04-06. Review status: criteria provided, single submitter. Criteria: Myriad Autosomal Dominant, Autosomal Recessive and X-Linked Classification Criteria (2023). Collection method: clinical testing. Allele origin: unknown.
Comment: NM_000203.3(IDUA):c.1127delC(P376Rfs*64) is expected to be pathogenic in the context of mucopolysaccharidosis type I. This variant is predicted to lead to an abnormal or absent protein product due to the creation of a premature termination codon in IDUA, a gene where loss-of-function variants are known to be pathogenic. Please note: this variant was assessed in the context of healthy population screening.